The following is an entry in ClinVar:

NM_001042702.5(PJVK):c.344C>T (p.Ser115Leu)

Gene: PJVK (pejvakin; plus strand). Cytogenetic location: 2q31.2.
Variant type: single nucleotide variant.
Coding change: c.344C>T on transcript NM_001042702.5 (MANE Select); coding-DNA position 344, C replaced by T.
Protein change: p.Ser115Leu; replaces serine 115 with leucine.
Molecular consequence: missense variant. On other transcripts: 5 prime UTR variant (2).
Genome position (GRCh38, 1-based): chr2:178,454,464, C>T. VCF-style: chr2-178454464-C-T. GRCh37 (hg19) VCF-style: chr2-179319191-C-T.
Other names: c.353C>T, p.Ser118Leu (NM_001353775.2); c.449C>T, p.Ser150Leu (NM_001353776.2); c.-134C>T (NM_001353777.1, NM_001353778.2); c.344C>T, p.Ser115Leu (NM_001369912.1); short protein forms S115L, S118L, S150L.
Identifiers: ClinVar variation 1195790 (VCV001195790.2), dbSNP rs2154125936, ClinGen allele CA349397996.
Genomic context (GRCh38, chr2:178,454,464, plus strand): 5'-ATATTGTAAATGACGTTGGGATTAACGTTGCTGGATCAGATTCCATTGCAGTGAAAGCTT[C>T]ATTTGGTATAGTAACCAAACATGAAGTGGAAGTATCAACATTACTCAAAGAAATTACTAC-3'
Protein context (NP_001036167.1, residues 105-125): AGSDSIAVKA[Ser115Leu]FGIVTKHEVE

ClinVar aggregate classification (germline): Uncertain significance (1 of 4 stars; one submission).

Submission:

GeneDx
Classification: Uncertain significance. Last evaluated: 2020-08-26. Review status: criteria provided, single submitter. Criteria: GeneDx Variant Classification Process June 2021. Collection method: clinical testing. Allele origin: germline. Affected: yes.
Comment: Not observed in large population cohorts (Lek et al., 2016); In silico analysis, which includes protein predictors and evolutionary conservation, supports a deleterious effect; Has not been previously published as pathogenic or benign to our knowledge